The following is an entry in ClinVar:

ClinVar aggregate classification (germline): Pathogenic. Review status: reviewed by expert panel (3 of 4 stars). 2 submissions from 2 submitters: Pathogenic (1). 1 of the submissions does not count toward it. Last evaluated 2016-10-18.

Conditions:
Breast-ovarian cancer, familial, susceptibility to, 2 (BROVCA2). Also called: BRCA2 Hereditary Breast and Ovarian Cancer. Identifiers: Orphanet 145, MedGen C2675520, MONDO:0012933, OMIM 612555. Disease mechanism: loss of function.

Submissions (2):

Evidence-based Network for the Interpretation of Germline Mutant Alleles (ENIGMA)
Classification: Pathogenic for Breast-ovarian cancer, familial, susceptibility to, 2. Last evaluated: 2016-10-18. Review status: reviewed by expert panel. Criteria: ENIGMA BRCA1/2 Classification Criteria (2015). Collection method: curation. Allele origin: germline.
Comment: Variant allele predicted to encode a truncated non-functional protein.

Consortium of Investigators of Modifiers of BRCA1/2 (CIMBA), c/o University of Cambridge
Classification: Pathogenic for Breast-ovarian cancer, familial, susceptibility to, 2. Last evaluated: 2015-10-02. Review status: criteria provided, single submitter. Criteria: CIMBA Mutation Classification guidelines May 2016. Collection method: clinical testing. Allele origin: germline. Not counted in ClinVar's aggregate classification.

NM_000059.4(BRCA2):c.127_128del (p.Asn43fs)

Gene: BRCA2 (BRCA2 DNA repair associated; plus strand). Cytogenetic location: 13q13.1.
Variant type: Deletion.
Coding change: c.127_128del on transcript NM_000059.4 (MANE Select); coding-DNA positions 127 to 128, 2 bases deleted (AA; older notation c.127_128delAA).
Protein change: p.Asn43fs; shifts the reading frame from asparagine 43.
Molecular consequence: frameshift variant.
Genome position (GRCh38, 1-based): chr13:32,319,136-32,319,137, AA deleted. VCF-style (leftmost placement, unchanged base first): chr13-32319135-TAA-T. GRCh37 (hg19) VCF-style: chr13-32893272-TAA-T.
Other names: 355_356delAA; short protein forms N43fs.
Identifiers: ClinVar variation 266622 (VCV000266622.5), dbSNP rs886040354, ClinGen allele CA10589012.